The following is an entry in ClinVar:

ClinVar aggregate classification (germline): Conflicting classifications of pathogenicity. Review status: criteria provided, conflicting classifications (1 of 4 stars). 13 submissions from 13 submitters: Uncertain significance (1); Benign (5); Likely benign (3). 4 of the submissions do not count toward it. Last evaluated 2026-02-04.

Conditions:
Hereditary cancer-predisposing syndrome. Also called: Tumor predisposition; Neoplastic Syndromes, Hereditary; Hereditary neoplastic syndrome; Hereditary Cancer Syndrome. Identifiers: Orphanet 140162, MedGen C0027672, MeSH D009386, MONDO:0015356.
Tuberous sclerosis syndrome (TSC). Also called: Tuberous Sclerosis Complex; Tuberous sclerosis. Identifiers: Orphanet 805, MedGen C0041341, MONDO:0001734.
Tuberous sclerosis 2 (TSC2). Identifiers: Orphanet 805, MedGen C1860707, MONDO:0013199, OMIM 613254.

Allele frequency attached by ClinVar (database versions not stated): ESP Exome Variant Server 0.00078; ExAC 0.00108; 1000 Genomes Project 0.00040; TOPMed 0.00073; 1000 Genomes Project 30x 0.00078.
gnomAD v4.1: 1,407 of 1,569,834 alleles (0.09%); highest among the groups gnomAD compares: Non-Finnish European, 0.11%; no homozygotes.

Submissions (14):

Labcorp Genetics (formerly Invitae), Labcorp
Classification: Benign for Tuberous sclerosis 2. Last evaluated: 2026-02-04. Review status: criteria provided, single submitter. Criteria: Invitae Variant Classification Sherloc (09022015). Collection method: clinical testing. Allele origin: germline.

Myriad Genetics, Inc.
Classification: Likely benign for Tuberous sclerosis 2. Last evaluated: 2025-06-02. Review status: criteria provided, single submitter. Criteria: Myriad Autosomal Dominant, Autosomal Recessive and X-Linked Classification Criteria (2023). Collection method: clinical testing. Allele origin: unknown.
Comment: This variant is considered likely benign. This variant is intronic and is not expected to impact mRNA splicing. This variant has been observed at a population frequency that is significantly greater than expected given the associated disease prevalence and penetrance.

Blueprint Genetics
Classification: Likely benign. Last evaluated: 2024-11-14. Review status: criteria provided, single submitter. Criteria: ACMG Guidelines, 2015. Collection method: clinical testing. Allele origin: germline.

ARUP Laboratories, Molecular Genetics and Genomics, ARUP Laboratories
Classification: Benign. Last evaluated: 2024-09-17. Review status: criteria provided, single submitter. Criteria: ARUP Molecular Germline Variant Investigation Process 2024. Collection method: clinical testing. Allele origin: germline.

Genome-Nilou Lab
Classification: Benign for Tuberous sclerosis 2. Last evaluated: 2021-11-07. Review status: criteria provided, single submitter. Criteria: ACMG Guidelines, 2015. Collection method: clinical testing. Allele origin: germline. Affected: no.

Vantari Genetics
Classification: Benign for Hereditary cancer-predisposing syndrome. Last evaluated: 2016-02-04. Review status: criteria provided, single submitter. Criteria: ACMG Guidelines, 2015. Collection method: clinical testing. Allele origin: germline.

Ambry Genetics
Classification: Uncertain significance for Hereditary cancer-predisposing syndrome. Last evaluated: 2015-05-23. Review status: criteria provided, single submitter. Criteria: Ambry Variant Classification Scheme 2023. Collection method: clinical testing. Allele origin: germline.
Comment: The c.3884-17C>G intronic alteration consists of a C to G substitution 17 nucleotides before coding exon 32 in the TSC2 gene. Based on insufficient or conflicting evidence, the clinical significance of this alteration remains unclear.

GeneDx
Classification: Benign. Last evaluated: 2014-05-19. Review status: criteria provided, single submitter. Criteria: GeneDx Variant Classification (06012015). Collection method: clinical testing. Allele origin: germline. Affected: yes.
Comment: This variant is considered likely benign or benign based on one or more of the following criteria: it is a conservative change, it occurs at a poorly conserved position in the protein, it is predicted to be benign by multiple in silico algorithms, and/or has population frequency not consistent with disease.

PreventionGenetics, part of Exact Sciences
Classification: Likely benign. Review status: criteria provided, single submitter. Criteria: ACMG Guidelines, 2015. Collection method: clinical testing. Allele origin: germline.

Clinical Genetics DNA and cytogenetics Diagnostics Lab, Erasmus MC, Erasmus Medical Center
Classification: Benign. Review status: no assertion criteria provided. Collection method: clinical testing. Allele origin: germline. Affected: yes. Study: VKGL Data-share Consensus. Not counted in ClinVar's aggregate classification.

Clinical Genetics, Academic Medical Center
Classification: Likely benign. Review status: no assertion criteria provided. Collection method: clinical testing. Allele origin: germline. Affected: yes. Study: VKGL Data-share Consensus. Not counted in ClinVar's aggregate classification.

Dr. Peter K. Rogan Lab, Western University
No classification provided (evidence only). Condition: Familial cancer of breast. Review status: no classification provided. Collection method: in vitro. Allele origin: not applicable. Functional consequence: retained intron. Not counted in ClinVar's aggregate classification.

Genome Diagnostics Laboratory, Amsterdam University Medical Center
Classification: Likely benign. Review status: no assertion criteria provided. Collection method: clinical testing. Allele origin: germline. Affected: yes. Study: VKGL Data-share Consensus. Not counted in ClinVar's aggregate classification.

Tuberous sclerosis database (TSC2)
No classification provided. Condition: TSC. Review status: no classification provided. Criteria: Tuberous Sclerosis Database Assertion Criteria 2015. Collection method: curation. Allele origin: germline. Affected: yes. Not counted in ClinVar's aggregate classification.

NM_000548.5(TSC2):c.3884-17C>G

Gene: TSC2 (TSC complex subunit 2; plus strand). Cytogenetic location: 16p13.3.
Variant type: single nucleotide variant.
Coding change: c.3884-17C>G on transcript NM_000548.5 (MANE Select); 17 bases into the intron before coding-DNA position 3884, C replaced by G.
Molecular consequence: intron variant.
Genome position (GRCh38, 1-based): chr16:2,083,678, C>G. VCF-style: chr16-2083678-C-G. GRCh37 (hg19) VCF-style: chr16-2133679-C-G.
Other names: c.3815-17C>G (NM_001114382.3); c.3755-17C>G (NM_021055.3, NM_001370405.1); c.3686-17C>G (NM_001363528.2); c.3752-17C>G (NM_001370404.1); c.3683-17C>G (NM_001077183.3); c.3575-17C>G (NM_001318827.2); c.3152-17C>G (NM_001318831.2); c.3539-17C>G (NM_001318829.2); and 1 more.
Identifiers: ClinVar variation 49513 (VCV000049513.19), dbSNP rs45517317, ClinGen allele CA019629.